The following is an entry in ClinVar:

ClinVar aggregate classification (germline): Uncertain significance (1 of 4 stars; one submission).

Submission:

Labcorp Genetics (formerly Invitae), Labcorp
Classification: Uncertain significance. Last evaluated: 2021-09-26. Review status: criteria provided, single submitter. Criteria: Invitae Variant Classification Sherloc (09022015). Collection method: clinical testing. Allele origin: germline.
Comment: In summary, the available evidence is currently insufficient to determine the role of this variant in disease. Therefore, it has been classified as a Variant of Uncertain Significance. Algorithms developed to predict the effect of missense changes on protein structure and function (SIFT, PolyPhen-2, Align-GVGD) all suggest that this variant is likely to be tolerated. This variant has not been reported in the literature in individuals affected with CFB-related conditions. This variant is not present in population databases (ExAC no frequency). This sequence change replaces arginine with glycine at codon 202 of the CFB protein (p.Arg202Gly). The arginine residue is weakly conserved and there is a moderate physicochemical difference between arginine and glycine.

NM_001710.6(CFB):c.604C>G (p.Arg202Gly)

Gene: CFB (complement factor B; plus strand). Cytogenetic location: 6p21.33.
Variant type: single nucleotide variant.
Coding change: c.604C>G on transcript NM_001710.6 (MANE Select); coding-DNA position 604, C replaced by G.
Protein change: p.Arg202Gly; replaces arginine 202 with glycine.
Molecular consequence: missense variant.
Genome position (GRCh38, 1-based): chr6:31,947,467, C>G. VCF-style: chr6-31947467-C-G. GRCh37 (hg19) VCF-style: chr6-31915244-C-G.
Other names: short protein forms R202G.
Identifiers: ClinVar variation 1420819 (VCV001420819.6), dbSNP rs537478097, ClinGen allele CA136894257.